The following is an entry in ClinVar:

NM_030665.4(RAI1):c.2332G>A (p.Gly778Ser)

Gene: RAI1 (retinoic acid induced 1; plus strand). Cytogenetic location: 17p11.2.
Variant type: single nucleotide variant.
Coding change: c.2332G>A on transcript NM_030665.4 (MANE Select); coding-DNA position 2332, G replaced by A.
Protein change: p.Gly778Ser; replaces glycine 778 with serine.
Molecular consequence: missense variant.
Genome position (GRCh38, 1-based): chr17:17,795,280, G>A. VCF-style: chr17-17795280-G-A. GRCh37 (hg19) VCF-style: chr17-17698594-G-A.
Other names: short protein forms G778S.
Identifiers: ClinVar variation 4529846 (VCV004529846.1).

ClinVar aggregate classification (germline): Uncertain significance (1 of 4 stars; one submission).

Submission:

GeneDx
Classification: Uncertain significance. Last evaluated: 2025-05-13. Review status: criteria provided, single submitter. Criteria: GeneDx Variant Classification Process June 2021. Collection method: clinical testing. Allele origin: germline. Affected: yes.
Comment: In silico analysis supports that this missense variant has a deleterious effect on protein structure/function; Has not been previously published as pathogenic or benign to our knowledge